The following is an entry in ClinVar:

NM_006231.4(POLE):c.820T>C (p.Phe274Leu)

Gene: POLE (DNA polymerase epsilon, catalytic subunit; minus strand). Cytogenetic location: 12q24.33.
Variant type: single nucleotide variant.
Coding change: c.820T>C on transcript NM_006231.4 (MANE Select); coding-DNA position 820, T replaced by C.
Protein change: p.Phe274Leu; replaces phenylalanine 274 with leucine.
Molecular consequence: missense variant.
Genome position (GRCh38, 1-based): chr12:132,676,635, A>G on the plus strand (T>C on the coding strand, the complement: POLE is on the minus strand). VCF-style: chr12-132676635-A-G. GRCh37 (hg19) VCF-style: chr12-133253221-A-G.
Other names: short protein forms F274L.
Identifiers: ClinVar variation 2099659 (VCV002099659.4), dbSNP rs2136016342, ClinGen allele CA387364351.

ClinVar aggregate classification (germline): Uncertain significance (1 of 4 stars; one submission).

Submission:

Labcorp Genetics (formerly Invitae), Labcorp
Classification: Uncertain significance. Last evaluated: 2022-02-19. Review status: criteria provided, single submitter. Criteria: Invitae Variant Classification Sherloc (09022015). Collection method: clinical testing. Allele origin: germline.
Comment: In summary, the available evidence is currently insufficient to determine the role of this variant in disease. Therefore, it has been classified as a Variant of Uncertain Significance. Algorithms developed to predict the effect of missense changes on protein structure and function are either unavailable or do not agree on the potential impact of this missense change (SIFT: "Deleterious"; PolyPhen-2: "Probably Damaging"; Align-GVGD: "Class C15"). This variant has not been reported in the literature in individuals affected with POLE-related conditions. This variant is not present in population databases (gnomAD no frequency). This sequence change replaces phenylalanine, which is neutral and non-polar, with leucine, which is neutral and non-polar, at codon 274 of the POLE protein (p.Phe274Leu).